The following is an entry in ClinVar:

ClinVar aggregate classification (germline): Likely benign (1 of 4 stars; one submission).

Submission:

CeGaT Center for Human Genetics Tuebingen
Classification: Likely benign. Last evaluated: 2026-05-01. Review status: criteria provided, single submitter. Criteria: CeGaT Center For Human Genetics Tuebingen Variant Classification Criteria Version 2. Collection method: clinical testing. Allele origin: germline. Affected: yes. Observed: 8 variant alleles.
Comment: MSLNL: BP4, BP7

NC_000016.10:g.780767G>A

Variant type: single nucleotide variant.
Genome position: GRCh38 VCF-style: chr16-780767-G-A. GRCh37 (hg19) VCF-style: chr16-830767-G-A.
Identifiers: ClinVar variation 2645862 (VCV002645862.23), dbSNP rs200325458, ClinGen allele CA7793350.